The following is an entry in ClinVar:

ClinVar aggregate classification (germline): Uncertain significance (1 of 4 stars; one submission).

Conditions:
CHARGE syndrome (CHARGE). Also called: Hittner Hirsch Kreh syndrome; CHARGE ASSOCIATION--COLOBOMA, HEART ANOMALY, CHOANAL ATRESIA, RETARDATION, GENITAL AND EAR ANOMALIES; Coloboma, heart anomaly, choanal atresia, retardation, genital and ear anomalies; CHARGE association; Hall-Hittner syndrome. Identifiers: Orphanet 138, MedGen C0265354, MONDO:0008965.

Submission:

Labcorp Genetics (formerly Invitae), Labcorp
Classification: Uncertain significance for CHARGE syndrome. Last evaluated: 2025-06-12. Review status: criteria provided, single submitter. Criteria: Invitae Variant Classification Sherloc (09022015). Collection method: clinical testing. Allele origin: germline.
Comment: This sequence change replaces histidine, which is basic and polar, with glutamine, which is neutral and polar, at codon 645 of the SEMA3E protein (p.His645Gln). This variant is not present in population databases (gnomAD no frequency). This variant has not been reported in the literature in individuals affected with SEMA3E-related conditions. ClinVar contains an entry for this variant (Variation ID: 3641764). Invitae Evidence Modeling of protein sequence and biophysical properties (such as structural, functional, and spatial information, amino acid conservation, physicochemical variation, residue mobility, and thermodynamic stability) indicates that this missense variant is not expected to disrupt SEMA3E protein function with a negative predictive value of 80%. In summary, the available evidence is currently insufficient to determine the role of this variant in disease. Therefore, it has been classified as a Variant of Uncertain Significance.

NM_012431.3(SEMA3E):c.1935C>A (p.His645Gln)

Gene: SEMA3E (semaphorin 3E; minus strand). Cytogenetic location: 7q21.11.
Variant type: single nucleotide variant.
Coding change: c.1935C>A on transcript NM_012431.3 (MANE Select); coding-DNA position 1935, C replaced by A.
Protein change: p.His645Gln; replaces histidine 645 with glutamine.
Molecular consequence: missense variant.
Genome position (GRCh38, 1-based): chr7:83,367,979, G>T on the plus strand (C>A on the coding strand, the complement: SEMA3E is on the minus strand). VCF-style: chr7-83367979-G-T. GRCh37 (hg19) VCF-style: chr7-82997295-G-T.
Other names: c.1755C>A, p.His585Gln (NM_001178129.2); short protein forms H585Q, H645Q.
Identifiers: ClinVar variation 3641764 (VCV003641764.2).